The following is an entry in ClinVar:

NM_001370658.1(BTD):c.581A>G (p.Asn194Ser)

Gene: BTD (biotinidase; plus strand). Cytogenetic location: 3p25.1.
Variant type: single nucleotide variant.
Coding change: c.581A>G on transcript NM_001370658.1 (MANE Select); coding-DNA position 581, A replaced by G.
Protein change: p.Asn194Ser; replaces asparagine 194 with serine.
Molecular consequence: missense variant. On other transcripts: intron variant (1).
Genome position (GRCh38, 1-based): chr3:15,644,497, A>G. VCF-style: chr3-15644497-A-G. GRCh37 (hg19) VCF-style: chr3-15686004-A-G.
Other names: c.641A>G, p.Asn214Ser (NM_000060.4); c.581A>G, p.Asn194Ser (NM_001281723.4, NM_001281724.3, NM_001281725.3 and 18 more transcripts); c.399+2440A>G (NM_001370753.1); short protein forms N194S.
Identifiers: ClinVar variation 38579 (VCV000038579.25), dbSNP rs397514377, ClinGen allele CA278395.

ClinVar aggregate classification (germline): Pathogenic/Likely pathogenic. Review status: criteria provided, multiple submitters, no conflicts (2 of 4 stars). 13 submissions from 13 submitters: Pathogenic (3); Likely pathogenic (8). 2 of the submissions do not count toward it. Last evaluated 2026-09-14.

Conditions:
BTD-related disorder. Also called: BTD-related condition.
Biotinidase deficiency. Also called: BTD deficiency; Late-onset biotin-responsive multiple carboxylase deficiency; Biotin deficiency. Identifiers: Orphanet 79241, MedGen C0220754, MONDO:0009665, OMIM 253260.

Allele frequency attached by ClinVar (database versions not stated): TOPMed 0.00004; ExAC 0.00005; gnomAD exomes 0.00006 and 0.00011; gnomAD 0.00003.
gnomAD v4.1: 162 of 1,613,720 alleles (0.01%); highest among the groups gnomAD compares: Non-Finnish European, 0.013%; no homozygotes.

Submissions 1 to 8 of 13:

PreventionGenetics, part of Exact Sciences
Classification: Likely pathogenic for BTD-related condition. Last evaluated: 2026-09-14. Review status: criteria provided, single submitter. Criteria: ACMG Guidelines, 2015. Collection method: clinical testing. Allele origin: germline.
Comment: The BTD c.641A>G variant is predicted to result in the amino acid substitution p.Asn214Ser. This variant has been reported in the compound heterozygous state in multiple individuals with partial biotinidase deficiency (Table 2, Jay et al. 2014. PubMed ID: 25144890; Table 2, Wolf et al. 2005. PubMed ID: 15776412; Table 3 and 4, Gannavarapu et al. 2015. PubMed ID: 26361991; Table 1, Forny et al. 2022. PubMed ID: 35195902; Canda et al. 2018. PubMed ID: 29995633). This variant is reported in 0.010% of alleles in individuals of European (Non-Finnish) descent in gnomAD. This variant is interpreted as likely pathogenic.

Victorian Clinical Genetics Services, Murdoch Childrens Research Institute
Classification: Pathogenic for Biotinidase deficiency. Last evaluated: 2026-03-19. Review status: criteria provided, single submitter. Criteria: ACMG Guidelines, 2015. Collection method: clinical testing. Allele origin: germline. Affected: yes.
Comment: This variant is classified as Pathogenic. Evidence in support of pathogenic classification: Variant is present in gnomAD <0.01 for a recessive condition (v4: 162 heterozygote(s), 0 homozygote(s)); This variant has strong previous evidence of pathogenicity in unrelated individuals. This variant has been classified as likely pathogenic/pathogenic by multiple clinical laboratories in ClinVar, with reference to compound heterozygous and homozygous individuals in the literature. This variant has also been reported in the literature in a BTD deficiency cohort study in two individuals, both compound heterozygous with a well reported variant p.(Asp424His). These individuals both showed partial BTD deficiency (PMID: 35195902); Missense variant predicted to be damaging by in silico tool(s) or highly conserved with a major amino acid change. Additional information: Variant is predicted to result in a missense amino acid change from Asn to Ser; This variant is heterozygous; This gene is associated with autosomal recessive disease; Alternative amino acid change(s) at the same position are present in gnomAD (highest allele count: v4: 1 heterozygote(s), 0 homozygote(s)); Loss of function is a known mechanism of disease in this gene and is associated with biotinidase deficiency (MIM#253260); Variants in this gene are known to have variable expressivity. The condition associated with this gene is known to range from partial, with milder symptoms and later onset, to profound, with more severe symptoms and earlier onset. Also, individuals with the same genotype have been observed to have different clinical and biochemical phenotypes (PMIDs: 20301497, 28498829); Inheritance information for this variant is not currently available in this individual.

Women's Health and Genetics/Laboratory Corporation of America, LabCorp
Classification: Likely pathogenic for Biotinidase deficiency. Last evaluated: 2026-01-20. Review status: criteria provided, single submitter. Criteria: LabCorp Variant Classification Summary - May 2015. Collection method: clinical testing. Allele origin: germline.
Comment: Variant summary: BTD c.581A>G (p.Asn194Ser) results in a conservative amino acid change in the encoded protein sequence. Algorithms developed to predict the effect of missense changes on protein structure and function are either unavailable or do not agree on the potential impact of this missense change. The variant allele was found at a frequency of 6e-05 in 251482 control chromosomes. This frequency is not significantly higher than estimated for disease-causing variants in BTD, allowing no conclusion about variant significance. c.581A>G has been observed in compound heterozygous and homozygous individuals affected with Biotinidase Deficiency (Wolf_2005, Sharma_2024, Ciki_2024, Yaral_2024, Yilmaz_2024, Azizinejad_2025). These data indicate that the variant is likely to be associated with disease. To our knowledge, no experimental evidence demonstrating an impact on protein function has been reported. The following publications have been ascertained in the context of this evaluation (PMID: 39461572, 39688110, 38299772, 15776412, 39451125, 38141137, 39582447). ClinVar contains an entry for this variant (Variation ID: 38579). Based on the evidence outlined above, the variant was classified as likely pathogenic.

GeneDx
Classification: Likely pathogenic. Last evaluated: 2026-01-05. Review status: criteria provided, single submitter. Criteria: GeneDx Variant Classification Process June 2021. Collection method: clinical testing. Allele origin: germline. Affected: yes.
Comment: Not observed at significant frequency in large population cohorts (gnomAD); In silico analysis supports that this missense variant has a deleterious effect on protein structure/function; This variant is associated with the following publications: (PMID: 26361991, 35805799, 15776412, 39688110, 38299772, 39582447)

Genomic Medicine Center of Excellence, King Faisal Specialist Hospital and Research Centre
Classification: Likely pathogenic for Biotinidase deficiency. Last evaluated: 2025-09-10. Review status: criteria provided, single submitter. Criteria: ACMG Guidelines, 2015. Collection method: clinical testing. Allele origin: germline.

ARUP Laboratories, Molecular Genetics and Genomics, ARUP Laboratories
Classification: Likely pathogenic for Biotinidase deficiency. Last evaluated: 2025-07-29. Review status: criteria provided, single submitter. Criteria: ARUP Molecular Germline Variant Investigation Process 2024. Collection method: clinical testing. Allele origin: germline.
Comment: The BTD c.581A>G; p.Asn194Ser variant (rs397514377, ClinVar ID: 38579), also known as c.641A>G; p. Asn214Ser for NM_000060.2, is reported in the literature in multiple individuals affected with partial biotinidase deficiency (Canda 2018, Ciki 2024, Jay 2015, Sharma 2024). This variant is found in the non-Finnish European population with an allele frequency of 0.01% (13/129,166 alleles) in the Genome Aggregation Database (v2.1.1). Computational analyses predict that this variant is deleterious (REVEL: 0.856). Based on available information, this variant is considered to be likely pathogenic. References: Canda E et al. Single center experience of biotinidase deficiency: 259 patients and six novel mutations. J Pediatr Endocrinol Metab. 2018 Aug 28;31(8):917-926. PMID: 29995633. Ciki K et al. Comprehensive analysis of genotypic and phenotypic characteristics of biotinidase deficiency patients in the eastern region of Turkiye. Turk J Pediatr. 2024 Nov 16;66(5):608-617. PMID: 39582447. Jay AM et al. Outcomes of individuals with profound and partial biotinidase deficiency ascertained by newborn screening in Michigan over 25 years. Genet Med. 2015 Mar;17(3):205-9. PMID: 25144890. Sharma R et al. Biotinidase biochemical and molecular analyses: Experience at a large reference laboratory. Pediatr Int. 2024 Jan-Dec;66(1):e15726. PMID: 38299772.

Natera, Inc.
Classification: Pathogenic for Biotinidase deficiency. Last evaluated: 2025-07-07. Review status: criteria provided, single submitter. Criteria: Natera Variant Classification Schema (03/2026). Collection method: clinical testing. Allele origin: germline.
Comment: The c.581A>G variant in BTD is a missense variant predicted to cause substitution of asparagine to serine at amino acid 194. This variant is rare in the general population with a frequency below the threshold expected for the associated phenotype(s). This variant has been observed in one or more individuals affected with the associated recessive disease, as either homozygous or compound heterozygous with a second variant (PMID: 34448386, 35195902, 29995633, 33217065, 25144890, 38299772, 38141137, 39582447). Computational prediction algorithms indicate this variant is likely to affect gene or protein function. Given the available evidence, this variant is classified as Pathogenic.

Labcorp Genetics (formerly Invitae), Labcorp
Classification: Pathogenic for Biotinidase deficiency. Last evaluated: 2025-05-25. Review status: criteria provided, single submitter. Criteria: Invitae Variant Classification Sherloc (09022015). Collection method: clinical testing. Allele origin: germline.
Comment: This sequence change replaces asparagine, which is neutral and polar, with serine, which is neutral and polar, at codon 214 of the BTD protein (p.Asn214Ser). This variant is present in population databases (rs397514377, gnomAD 0.009%). This missense change has been observed in individuals with biotinidase deficiency (PMID: 15776412, 25144890, 29995633; internal data). ClinVar contains an entry for this variant (Variation ID: 38579). Invitae Evidence Modeling of protein sequence and biophysical properties (such as structural, functional, and spatial information, amino acid conservation, physicochemical variation, residue mobility, and thermodynamic stability) indicates that this missense variant is expected to disrupt BTD protein function with a positive predictive value of 95%. This variant disrupts the p.Asn214 amino acid residue in BTD. Other variant(s) that disrupt this residue have been observed in individuals with BTD-related conditions (PMID: 26361991), which suggests that this may be a clinically significant amino acid residue. For these reasons, this variant has been classified as Pathogenic.